The following is an entry in ClinVar:

ClinVar aggregate classification (germline): Uncertain significance (1 of 4 stars; one submission).

Conditions:
Familial encephalopathy with neuroserpin inclusion bodies. Also called: ENCEPHALOPATHY, FAMILIAL, WITH COLLINS BODIES. Identifiers: Orphanet 85110, MedGen C1858680, MONDO:0011412, OMIM 604218.

Allele frequency attached by ClinVar (database versions not stated): gnomAD exomes below 0.00001; TOPMed 0.00001; ESP Exome Variant Server 0.00008.
gnomAD v4.1: 2 of 1,613,936 alleles (0.00012%); highest among the groups gnomAD compares: Admixed American, 0.0017%; no homozygotes.

Submission:

Labcorp Genetics (formerly Invitae), Labcorp
Classification: Uncertain significance for Familial encephalopathy with neuroserpin inclusion bodies. Last evaluated: 2022-02-21. Review status: criteria provided, single submitter. Criteria: Invitae Variant Classification Sherloc (09022015). Collection method: clinical testing. Allele origin: germline.
Comment: This variant is not present in population databases (gnomAD no frequency). This variant has not been reported in the literature in individuals affected with SERPINI1-related conditions. Advanced modeling of protein sequence and biophysical properties (such as structural, functional, and spatial information, amino acid conservation, physicochemical variation, residue mobility, and thermodynamic stability) performed at Invitae indicates that this missense variant is not expected to disrupt SERPINI1 protein function. In summary, the available evidence is currently insufficient to determine the role of this variant in disease. Therefore, it has been classified as a Variant of Uncertain Significance. This sequence change replaces methionine, which is neutral and non-polar, with threonine, which is neutral and polar, at codon 96 of the SERPINI1 protein (p.Met96Thr).

NM_001122752.2(SERPINI1):c.287T>C (p.Met96Thr)

Gene: SERPINI1 (serpin family I member 1; plus strand). Cytogenetic location: 3q26.1.
Variant type: single nucleotide variant.
Coding change: c.287T>C on transcript NM_001122752.2 (MANE Select); coding-DNA position 287, T replaced by C.
Protein change: p.Met96Thr; replaces methionine 96 with threonine.
Molecular consequence: missense variant.
Genome position (GRCh38, 1-based): chr3:167,790,408, T>C. VCF-style: chr3-167790408-T-C. GRCh37 (hg19) VCF-style: chr3-167508196-T-C.
Other names: c.287T>C, p.Met96Thr (NM_005025.5); short protein forms M96T.
Identifiers: ClinVar variation 1971981 (VCV001971981.5), dbSNP rs376468580, ClinGen allele CA87835762.